The following is an entry in ClinVar:

NM_004329.3(BMPR1A):c.1117A>T (p.Asn373Tyr)

Gene: BMPR1A (bone morphogenetic protein receptor type 1A; plus strand). Cytogenetic location: 10q23.2.
Variant type: single nucleotide variant.
Coding change: c.1117A>T on transcript NM_004329.3 (MANE Select); coding-DNA position 1117, A replaced by T.
Protein change: p.Asn373Tyr; replaces asparagine 373 with tyrosine.
Molecular consequence: missense variant. On other transcripts: non-coding transcript variant (3).
Genome position (GRCh38, 1-based): chr10:86,919,420, A>T. VCF-style: chr10-86919420-A-T. GRCh37 (hg19) VCF-style: chr10-88679177-A-T.
Other names: c.1192A>T, p.Asn398Tyr (NM_001406559.1); c.1165A>T, p.Asn389Tyr (NM_001406560.1); c.1117A>T, p.Asn373Tyr (NM_001406561.1, NM_001406562.1, NM_001406563.1 and 19 more transcripts); c.1111A>T, p.Asn371Tyr (NM_001406583.1); c.1033A>T, p.Asn345Tyr (NM_001406584.1, NM_001406585.1, NM_001406586.1 and 2 more transcripts); c.775A>T, p.Asn259Tyr (NM_001406589.1); short protein forms N259Y, N398Y, N373Y, N345Y, N371Y, N389Y.
Identifiers: ClinVar variation 5033045 (VCV005033045.1).
Genomic context (GRCh38, chr10:86,919,420, plus strand): 5'-CAAGGAAAGCCCGCAATTGCTCATCGAGACCTAAAGAGCAAAAACATCCTCATCAAGAAA[A>T]ATGGGAGTTGCTGCATTGCTGACCTGGGCCTTGCTGTTAAATTCAACAGGTGAGTGGTTC-3'
Protein context (NP_004320.2, residues 363-383): LKSKNILIKK[Asn373Tyr]GSCCIADLGL

ClinVar aggregate classification (germline): Uncertain significance (1 of 4 stars; one submission).

Conditions:
Hereditary cancer-predisposing syndrome. Also called: Neoplastic Syndromes, Hereditary; Tumor predisposition; Hereditary neoplastic syndrome; Hereditary Cancer Syndrome. Identifiers: Orphanet 140162, MedGen C0027672, MeSH D009386, MONDO:0015356.

Submission:

Ambry Genetics
Classification: Uncertain significance for Hereditary cancer-predisposing syndrome. Last evaluated: 2026-08-18. Review status: criteria provided, single submitter. Criteria: Ambry Variant Classification Scheme 2023. Collection method: clinical testing. Allele origin: germline.
Comment: The p.N373Y variant (also known as c.1117A>T), located in coding exon 8 of the BMPR1A gene, results from an A to T substitution at nucleotide position 1117. The asparagine at codon 373 is replaced by tyrosine, an amino acid with dissimilar properties. This amino acid position is conserved. In addition, this alteration is predicted to be deleterious by in silico analysis. Based on the available evidence, the clinical significance of this variant remains unclear.